The following is an entry in ClinVar:

NM_005732.4(RAD50):c.2660T>C (p.Leu887Pro)

Gene: RAD50 (RAD50 double strand break repair protein; plus strand). Cytogenetic location: 5q31.1.
Variant type: single nucleotide variant.
Coding change: c.2660T>C on transcript NM_005732.4 (MANE Select); coding-DNA position 2660, T replaced by C.
Protein change: p.Leu887Pro; replaces leucine 887 with proline.
Molecular consequence: missense variant.
Genome position (GRCh38, 1-based): chr5:132,604,941, T>C. VCF-style: chr5-132604941-T-C. GRCh37 (hg19) VCF-style: chr5-131940633-T-C.
Other names: short protein forms L887P.
Identifiers: ClinVar variation 821593 (VCV000821593.11), dbSNP rs1359835350, ClinGen allele CA360956773.

ClinVar aggregate classification (germline): Uncertain significance. Review status: criteria provided, multiple submitters, no conflicts (2 of 4 stars). 2 submissions from 2 submitters: Uncertain significance (2). Last evaluated 2024-12-15.

Conditions:
Hereditary cancer-predisposing syndrome. Also called: Tumor predisposition; Hereditary Cancer Syndrome; Neoplastic Syndromes, Hereditary; Hereditary neoplastic syndrome. Identifiers: Orphanet 140162, MedGen C0027672, MeSH D009386, MONDO:0015356.

Allele frequency attached by ClinVar (database versions not stated): gnomAD exomes below 0.00001; gnomAD 0.00001.
gnomAD v4.1: 4 of 1,613,906 alleles (0.00025%); highest among the groups gnomAD compares: Non-Finnish European, 0.00034%; no homozygotes.

Submissions (2):

Ambry Genetics
Classification: Uncertain significance for Hereditary cancer-predisposing syndrome. Last evaluated: 2024-12-15. Review status: criteria provided, single submitter. Criteria: Ambry Variant Classification Scheme 2023. Collection method: clinical testing. Allele origin: germline.
Comment: The p.L887P variant (also known as c.2660T>C), located in coding exon 16 of the RAD50 gene, results from a T to C substitution at nucleotide position 2660. The leucine at codon 887 is replaced by proline, an amino acid with similar properties. This amino acid position is well conserved in available vertebrate species. In addition, the in silico prediction for this alteration is inconclusive. Since supporting evidence is limited at this time, the clinical significance of this alteration remains unclear.

Labcorp Genetics (formerly Invitae), Labcorp
Classification: Uncertain significance for Hereditary cancer-predisposing syndrome. Last evaluated: 2023-09-29. Review status: criteria provided, single submitter. Criteria: Invitae Variant Classification Sherloc (09022015). Collection method: clinical testing. Allele origin: germline.
Comment: This sequence change replaces leucine, which is neutral and non-polar, with proline, which is neutral and non-polar, at codon 887 of the RAD50 protein (p.Leu887Pro). This variant is present in population databases (no rsID available, gnomAD 0.01%). This variant has not been reported in the literature in individuals affected with RAD50-related conditions. ClinVar contains an entry for this variant (Variation ID: 821593). Advanced modeling of protein sequence and biophysical properties (such as structural, functional, and spatial information, amino acid conservation, physicochemical variation, residue mobility, and thermodynamic stability) performed at Invitae indicates that this missense variant is expected to disrupt RAD50 protein function. In summary, the available evidence is currently insufficient to determine the role of this variant in disease. Therefore, it has been classified as a Variant of Uncertain Significance.